The following is an entry in ClinVar:

ClinVar aggregate classification (germline): Uncertain significance (1 of 4 stars; one submission).

Submission:

Labcorp Genetics (formerly Invitae), Labcorp
Classification: Uncertain significance. Last evaluated: 2025-12-21. Review status: criteria provided, single submitter. Criteria: Invitae Variant Classification Sherloc (09022015). Collection method: clinical testing. Allele origin: germline.
Comment: This sequence change falls in intron 5 of the LZTR1 gene. It does not directly change the encoded amino acid sequence of the LZTR1 protein. It affects a nucleotide within the consensus splice site. This variant is not present in population databases (gnomAD no frequency). This variant has not been reported in the literature in individuals affected with LZTR1-related conditions. Variants that disrupt the consensus splice site are a relatively common cause of aberrant splicing (PMID: 17576681, 9536098). Algorithms developed to predict the effect of sequence changes on RNA splicing suggest that this variant may disrupt the consensus splice site. In summary, the available evidence is currently insufficient to determine the role of this variant in disease. Therefore, it has been classified as a Variant of Uncertain Significance.

Literature cited by the submitters: PubMed 17576681; PubMed 9536098.

NM_006767.4(LZTR1):c.510-3C>G

Gene: LZTR1 (leucine zipper like post translational regulator 1; plus strand). Cytogenetic location: 22q11.21.
Variant type: single nucleotide variant.
Coding change: c.510-3C>G on transcript NM_006767.4 (MANE Select); 3 bases into the intron before coding-DNA position 510, C replaced by G.
Molecular consequence: intron variant.
Genome position (GRCh38, 1-based): chr22:20,988,786, C>G. VCF-style: chr22-20988786-C-G. GRCh37 (hg19) VCF-style: chr22-21343075-C-G.
Identifiers: ClinVar variation 4733591 (VCV004733591.1).